The following is an entry in ClinVar:

NM_002730.4(PRKACA):c.710C>T (p.Pro237Leu)

Gene: PRKACA (protein kinase cAMP-activated catalytic subunit alpha; minus strand). Cytogenetic location: 19p13.12.
Variant type: single nucleotide variant.
Coding change: c.710C>T on transcript NM_002730.4 (MANE Select); coding-DNA position 710, C replaced by T.
Protein change: p.Pro237Leu; replaces proline 237 with leucine.
Molecular consequence: missense variant.
Genome position (GRCh38, 1-based): chr19:14,097,416, G>A on the plus strand (C>T on the coding strand, the complement: PRKACA is on the minus strand). VCF-style: chr19-14097416-G-A. GRCh37 (hg19) VCF-style: chr19-14208228-G-A.
Other names: c.938C>T, p.Pro313Leu (NM_001304349.2); c.686C>T, p.Pro229Leu (NM_207518.3); short protein forms P229L, P237L, P313L.
Identifiers: ClinVar variation 4887857 (VCV004887857.1).

ClinVar aggregate classification (germline): Uncertain significance (1 of 4 stars; one submission).

Submission:

GeneDx
Classification: Uncertain significance. Last evaluated: 2026-02-09. Review status: criteria provided, single submitter. Criteria: GeneDx Variant Classification Process June 2021. Collection method: clinical testing. Allele origin: germline.
Comment: Not observed at significant frequency in large population cohorts (gnomAD); In silico analysis supports that this missense variant has a deleterious effect on protein structure/function; This variant is associated with the following publications: (PMID: 35982159, 33057194)